The following is an entry in ClinVar:

NM_138694.4(PKHD1):c.11223T>G (p.Tyr3741Ter)

Gene: PKHD1 (PKHD1 ciliary IPT domain containing fibrocystin/polyductin; minus strand). Cytogenetic location: 6p12.3.
Variant type: single nucleotide variant.
Coding change: c.11223T>G on transcript NM_138694.4 (MANE Select); coding-DNA position 11223, T replaced by G.
Protein change: p.Tyr3741Ter; replaces tyrosine 3741 with a stop codon.
Molecular consequence: nonsense.
Genome position (GRCh38, 1-based): chr6:51,649,172, A>C on the plus strand (T>G on the coding strand, the complement: PKHD1 is on the minus strand). VCF-style: chr6-51649172-A-C. GRCh37 (hg19) VCF-style: chr6-51513970-A-C.
Other names: short protein forms Y3741*.
Identifiers: ClinVar variation 953192 (VCV000953192.8), dbSNP rs778676351, ClinGen allele CA364426347.
Genomic context (GRCh38, chr6:51,649,172, plus strand): 5'-CTGCACTGGAAGCTCATTTCCCACTTCTCCATCTGAAGGCTGGACTAGGATGGAAAGTGC[A>C]TAGGGCCGAATATATATCAAGTTCCCAGTTTTAAAACTGCTTGTATTTCTGACAGATATA-3'

ClinVar aggregate classification (germline): Pathogenic (1 of 4 stars; one submission).

Conditions:
Autosomal recessive polycystic kidney disease (ARPKD). Also called: AR polycystic kidney disease. Identifiers: Orphanet 731, Orphanet 8378, MedGen C0085548, MeSH D017044, MONDO:0009889.

Submission:

Labcorp Genetics (formerly Invitae), Labcorp
Classification: Pathogenic for Autosomal recessive polycystic kidney disease. Last evaluated: 2023-06-15. Review status: criteria provided, single submitter. Criteria: Invitae Variant Classification Sherloc (09022015). Collection method: clinical testing. Allele origin: germline.
Comment: This variant is not present in population databases (gnomAD no frequency). This sequence change creates a premature translational stop signal (p.Tyr3741*) in the PKHD1 gene. It is expected to result in an absent or disrupted protein product. Loss-of-function variants in PKHD1 are known to be pathogenic (PMID: 19940839). For these reasons, this variant has been classified as Pathogenic. Algorithms developed to predict the effect of sequence changes on RNA splicing suggest that this variant may disrupt the consensus splice site. ClinVar contains an entry for this variant (Variation ID: 953192). This variant has not been reported in the literature in individuals affected with PKHD1-related conditions.

Literature cited by the submitters: PubMed 19940839.